The following is an entry in ClinVar:

NM_022051.3(EGLN1):c.386C>G (p.Ala129Gly)

Gene: EGLN1 (egl-9 family hypoxia inducible factor 1; minus strand). Cytogenetic location: 1q42.2.
Variant type: single nucleotide variant.
Coding change: c.386C>G on transcript NM_022051.3 (MANE Select); coding-DNA position 386, C replaced by G.
Protein change: p.Ala129Gly; replaces alanine 129 with glycine.
Molecular consequence: missense variant.
Genome position (GRCh38, 1-based): chr1:231,421,503, G>C on the plus strand (C>G on the coding strand, the complement: EGLN1 is on the minus strand). VCF-style: chr1-231421503-G-C. GRCh37 (hg19) VCF-style: chr1-231557249-G-C.
Other names: c.386C>G, p.Ala129Gly (NM_001377260.1, NM_001377261.1); short protein forms A129G.
Identifiers: ClinVar variation 2565121 (VCV002565121.2), dbSNP rs1380554913, ClinGen allele CA345237320.

ClinVar aggregate classification (germline): Uncertain significance (1 of 4 stars; one submission).

Submission:

Ambry Genetics
Classification: Uncertain significance. Last evaluated: 2023-03-15. Review status: criteria provided, single submitter. Criteria: Ambry Variant Classification Scheme 2023. Collection method: clinical testing. Allele origin: germline.
Comment: The p.A129G variant (also known as c.386C>G), located in coding exon 1 of the EGLN1 gene, results from a C to G substitution at nucleotide position 386. The alanine at codon 129 is replaced by glycine, an amino acid with similar properties. This amino acid position is conserved. In addition, this alteration is predicted to be tolerated by in silico analysis. Since supporting evidence is limited at this time, the clinical significance of this alteration remains unclear.